The following is an entry in ClinVar:

NM_021167.5(GATAD1):c.436-3C>G

Gene: GATAD1 (GATA zinc finger domain containing 1; plus strand). Cytogenetic location: 7q21.2.
Variant type: single nucleotide variant.
Coding change: c.436-3C>G on transcript NM_021167.5 (MANE Select); 3 bases into the intron before coding-DNA position 436, C replaced by G.
Molecular consequence: intron variant.
Genome position (GRCh38, 1-based): chr7:92,454,499, C>G. VCF-style: chr7-92454499-C-G. GRCh37 (hg19) VCF-style: chr7-92083813-C-G.
Identifiers: ClinVar variation 4028554 (VCV004028554.1).
Genomic context (GRCh38, chr7:92,454,499, plus strand): 5'-TCATTCATAGCTGTGATGTTCTATTTTTATTTTCAATGTGGGATTATCTTCTGTTTCCCC[C>G]AGGGAGTATATTACCAAATTGGTGATGTTGTTTCTGTGATTGATGAACAAGATGGAAAGC-3'

ClinVar aggregate classification (germline): Uncertain significance (1 of 4 stars; one submission).

Conditions:
Cardiovascular phenotype. Identifiers: MedGen CN230736.

Submission:

Ambry Genetics
Classification: Uncertain significance for Cardiovascular phenotype. Last evaluated: 2025-04-16. Review status: criteria provided, single submitter. Criteria: Ambry Variant Classification Scheme 2023. Collection method: clinical testing. Allele origin: germline.
Comment: The c.436-3C>G intronic variant results from a C to G substitution 3 nucleotides upstream from coding exon 4 in the GATAD1 gene. This nucleotide position is well conserved in available vertebrate species. In silico splice site analysis predicts that this alteration may weaken the native splice acceptor site. The evidence for this gene-disease relationship is limited; therefore, the clinical significance of this alteration is unclear.